The following is an entry in ClinVar:

ClinVar aggregate classification (germline): Uncertain significance. Review status: criteria provided, multiple submitters, no conflicts (2 of 4 stars). 2 submissions from 2 submitters: Uncertain significance (2). Last evaluated 2026-01-27.

Conditions:
Cardiovascular phenotype. Identifiers: MedGen CN230736.
Hereditary cancer-predisposing syndrome. Also called: Tumor predisposition; Hereditary neoplastic syndrome; Neoplastic Syndromes, Hereditary; Hereditary Cancer Syndrome. Identifiers: Orphanet 140162, MedGen C0027672, MeSH D009386, MONDO:0015356.

Allele frequency attached by ClinVar (database versions not stated): gnomAD exomes below 0.00001 and 0.00001; ExAC 0.00002.
gnomAD v4.1: 6 of 1,610,258 alleles (0.00037%); highest among the groups gnomAD compares: Middle Eastern, 0.033%; no homozygotes.

Submissions (2):

Labcorp Genetics (formerly Invitae), Labcorp
Classification: Uncertain significance. Last evaluated: 2026-01-27. Review status: criteria provided, single submitter. Criteria: Invitae Variant Classification Sherloc (09022015). Collection method: clinical testing. Allele origin: germline.
Comment: This sequence change replaces glutamic acid, which is acidic and polar, with lysine, which is basic and polar, at codon 542 of the LZTR1 protein (p.Glu542Lys). This variant is present in population databases (rs745516367, gnomAD 0.002%). This variant has not been reported in the literature in individuals affected with LZTR1-related conditions. ClinVar contains an entry for this variant (Variation ID: 1427296). Invitae Evidence Modeling of protein sequence and biophysical properties (such as structural, functional, and spatial information, amino acid conservation, physicochemical variation, residue mobility, and thermodynamic stability) indicates that this missense variant is not expected to disrupt LZTR1 protein function with a negative predictive value of 80%. In summary, the available evidence is currently insufficient to determine the role of this variant in disease. Therefore, it has been classified as a Variant of Uncertain Significance.

Ambry Genetics
Classification: Uncertain significance for Cardiovascular phenotype; Hereditary cancer-predisposing syndrome. Last evaluated: 2024-02-25. Review status: criteria provided, single submitter. Criteria: Ambry Variant Classification Scheme 2023. Collection method: clinical testing. Allele origin: germline.
Comment: The p.E542K variant (also known as c.1624G>A), located in coding exon 15 of the LZTR1 gene, results from a G to A substitution at nucleotide position 1624. The glutamic acid at codon 542 is replaced by lysine, an amino acid with similar properties. This amino acid position is not well conserved in available vertebrate species. In addition, this alteration is predicted to be tolerated by in silico analysis. Since supporting evidence is limited at this time, the clinical significance of this alteration remains unclear.

NM_006767.4(LZTR1):c.1624G>A (p.Glu542Lys)

Gene: LZTR1 (leucine zipper like post translational regulator 1; plus strand). Cytogenetic location: 22q11.21.
Variant type: single nucleotide variant.
Coding change: c.1624G>A on transcript NM_006767.4 (MANE Select); coding-DNA position 1624, G replaced by A.
Protein change: p.Glu542Lys; replaces glutamic acid 542 with lysine.
Molecular consequence: missense variant.
Genome position (GRCh38, 1-based): chr22:20,994,566, G>A. VCF-style: chr22-20994566-G-A. GRCh37 (hg19) VCF-style: chr22-21348855-G-A.
Other names: short protein forms E542K.
Identifiers: ClinVar variation 1427296 (VCV001427296.9), dbSNP rs745516367, ClinGen allele CA10119009.
Genomic context (GRCh38, chr22:20,994,566, plus strand): 5'-GCCCTGCCCTCCCCTCTCCGGCTCCCTGAGATTCGGGGGCTCTGGGGCGCAGGCCATGTG[G>A]AGGATGTGCTGCTCATCATGGATGTGTACAAACTGGCACTGAGCTTCCAGTTGTGCCGCC-3'
Protein context (NP_006758.2, residues 532-552): KIKYPRKGHV[Glu542Lys]DVLLIMDVYK